The following is an entry in ClinVar:

NM_057176.3(BSND):c.312A>T (p.Glu104Asp)

Gene: BSND (barttin CLCNK type accessory subunit beta; plus strand). Cytogenetic location: 1p32.3.
Variant type: single nucleotide variant.
Coding change: c.312A>T on transcript NM_057176.3 (MANE Select); coding-DNA position 312, A replaced by T.
Protein change: p.Glu104Asp; replaces glutamic acid 104 with aspartic acid.
Molecular consequence: missense variant.
Genome position (GRCh38, 1-based): chr1:55,007,036, A>T. VCF-style: chr1-55007036-A-T. GRCh37 (hg19) VCF-style: chr1-55472709-A-T.
Other names: c.312A>T (NM_057176.2); short protein forms E104D.
Identifiers: ClinVar variation 1396327 (VCV001396327.4), dbSNP rs2100208602, ClinGen allele CA340473434.

ClinVar aggregate classification (germline): Uncertain significance. Review status: criteria provided, single submitter (1 of 4 stars). 2 submissions from 2 submitters: Uncertain significance (1). 1 of the submissions does not count toward it. Last evaluated 2022-08-09.

Conditions:
Bartter syndrome. Identifiers: Orphanet 112, MedGen C0004775, MONDO:0015231.

Submissions (2):

Labcorp Genetics (formerly Invitae), Labcorp
Classification: Uncertain significance. Last evaluated: 2022-08-09. Review status: criteria provided, single submitter. Criteria: Invitae Variant Classification Sherloc (09022015). Collection method: clinical testing. Allele origin: germline.
Comment: This sequence change replaces glutamic acid, which is acidic and polar, with aspartic acid, which is acidic and polar, at codon 104 of the BSND protein (p.Glu104Asp). This variant is not present in population databases (gnomAD no frequency). This variant has not been reported in the literature in individuals affected with BSND-related conditions. ClinVar contains an entry for this variant (Variation ID: 1396327). Algorithms developed to predict the effect of missense changes on protein structure and function output the following: SIFT: "Tolerated"; PolyPhen-2: "Benign"; Align-GVGD: "Class C0". The aspartic acid amino acid residue is found in multiple mammalian species, which suggests that this missense change does not adversely affect protein function. In summary, the available evidence is currently insufficient to determine the role of this variant in disease. Therefore, it has been classified as a Variant of Uncertain Significance.

Natera, Inc.
Classification: Uncertain significance for Bartter syndrome. Last evaluated: 2025-01-29. Review status: no assertion criteria provided. Collection method: clinical testing. Allele origin: germline. Not counted in ClinVar's aggregate classification.